The following is an entry in ClinVar:

NM_001042545.2(LTBP4):c.1441A>G (p.Met481Val)

Gene: LTBP4 (latent transforming growth factor beta binding protein 4; plus strand). Cytogenetic location: 19q13.2.
Variant type: single nucleotide variant.
Coding change: c.1441A>G on transcript NM_001042545.2 (MANE Select); coding-DNA position 1441, A replaced by G.
Protein change: p.Met481Val; replaces methionine 481 with valine.
Molecular consequence: missense variant.
Genome position (GRCh38, 1-based): chr19:40,609,544, A>G. VCF-style: chr19-40609544-A-G. GRCh37 (hg19) VCF-style: chr19-41115450-A-G.
Other names: c.1642A>G, p.Met548Val (NM_001042544.1); c.1531A>G, p.Met511Val (NM_003573.2); short protein forms M511V, M481V, M548V.
Identifiers: ClinVar variation 329307 (VCV000329307.18), dbSNP rs116005784, ClinGen allele CA9448317.

ClinVar aggregate classification (germline): Benign. Review status: criteria provided, multiple submitters, no conflicts (2 of 4 stars). 4 submissions from 4 submitters: Benign (4). Last evaluated 2026-01-28.

Conditions:
Cutis laxa with severe pulmonary, gastrointestinal and urinary anomalies. Also called: URBAN-RIFKIN-DAVIS SYNDROME; Cutis laxa, autosomal recessive, type IC; LTBP4-Related Cutis Laxa. Identifiers: Orphanet 221145, MedGen C2750804, MONDO:0013170, OMIM 613177. Disease mechanism: loss of function.

Allele frequency attached by ClinVar (database versions not stated): gnomAD exomes 0.00111; ExAC 0.00139; 1000 Genomes Project 0.00419; ESP Exome Variant Server 0.00449; 1000 Genomes Project 30x 0.00484; gnomAD 0.00503 and 0.00542; TOPMed 0.00553.
gnomAD v4.1: 1,409 of 1,613,134 alleles (0.087%); highest among the groups gnomAD compares: African/African-American, 1.7%; 10 homozygotes.

Submissions (4):

Labcorp Genetics (formerly Invitae), Labcorp
Classification: Benign. Last evaluated: 2026-01-28. Review status: criteria provided, single submitter. Criteria: Invitae Variant Classification Sherloc (09022015). Collection method: clinical testing. Allele origin: germline.

GeneDx
Classification: Benign. Last evaluated: 2018-12-24. Review status: criteria provided, single submitter. Criteria: GeneDx Variant Classification Process June 2021. Collection method: clinical testing. Allele origin: germline. Affected: yes.

Illumina Laboratory Services, Illumina
Classification: Benign for Cutis laxa with severe pulmonary, gastrointestinal and urinary anomalies. Last evaluated: 2018-01-12. Review status: criteria provided, single submitter. Criteria: ICSL Variant Classification Criteria 13 December 2019. Collection method: clinical testing. Allele origin: germline.
Comment: This variant was observed in the ICSL laboratory as part of a predisposition screen in an ostensibly healthy population. It had not been previously curated by ICSL or reported in the Human Gene Mutation Database (HGMD: prior to June 1st, 2018), and was therefore a candidate for classification through an automated scoring system. Utilizing variant allele frequency, disease prevalence and penetrance estimates, and inheritance mode, an automated score was calculated to assess if this variant is too frequent to cause the disease. Based on the score and internal cut-off values, a variant classified as benign is not then subjected to further curation. The score for this variant resulted in a classification of benign for this disease.

Breakthrough Genomics
Classification: Benign. Review status: criteria provided, single submitter. Criteria: ACMG Guidelines, 2015. Collection method: not provided. Allele origin: germline. Inheritance: Autosomal recessive inheritance. Affected: yes.